The following is an entry in ClinVar:

NM_000168.6(GLI3):c.659G>A (p.Arg220His)

Gene: GLI3 (GLI family zinc finger 3; minus strand). Cytogenetic location: 7p14.1.
Variant type: single nucleotide variant.
Coding change: c.659G>A on transcript NM_000168.6 (MANE Select); coding-DNA position 659, G replaced by A.
Protein change: p.Arg220His; replaces arginine 220 with histidine.
Molecular consequence: missense variant.
Genome position (GRCh38, 1-based): chr7:42,048,511, C>T on the plus strand (G>A on the coding strand, the complement: GLI3 is on the minus strand). VCF-style: chr7-42048511-C-T. GRCh37 (hg19) VCF-style: chr7-42088110-C-T.
Other names: short protein forms R220H.
Identifiers: ClinVar variation 571572 (VCV000571572.14), dbSNP rs747805984, ClinGen allele CA4231123.

ClinVar aggregate classification (germline): Conflicting classifications of pathogenicity. Review status: criteria provided, conflicting classifications (1 of 4 stars). 4 submissions from 4 submitters: Uncertain significance (2); Likely benign (2). Last evaluated 2025-10-09.

Conditions:
Pallister-Hall syndrome (PHS). Also called: GLI3-Related Pallister-Hall Syndrome; HYPOTHALAMIC HAMARTOBLASTOMA, HYPOPITUITARISM, IMPERFORATE ANUS, AND POSTAXIAL POLYDACTYLY. Identifiers: Orphanet 672, MedGen C0265220, MONDO:0007804, OMIM 146510.
Greig cephalopolysyndactyly syndrome (GCPS). Also called: GLI3-Related Greig Cephalopolysyndactyly Syndrome; Greig syndrome; POLYSYNDACTYLY WITH PECULIAR SKULL SHAPE. Identifiers: Orphanet 380, MedGen C0265306, MONDO:0008287, OMIM 175700.
GLI3-related disorder. Also called: GLI3-related disorders; GLI3-related condition. Identifiers: MedGen CN239292.
Polysyndactyly 4. Also called: Polysyndactyly uncomplicated; Preaxial polydactyly 4. Identifiers: Orphanet 93338, MedGen C1868111, MONDO:0008272, OMIM 174700.
Polydactyly, postaxial, type A1. Identifiers: MedGen C4282400, MONDO:0008266, OMIM 174200.

Allele frequency attached by ClinVar (database versions not stated): gnomAD exomes 0.00001; ExAC 0.00002; gnomAD 0.00003; TOPMed 0.00004.
gnomAD v4.1: 20 of 1,612,450 alleles (0.0012%); highest among the groups gnomAD compares: South Asian, 0.0099%; no homozygotes.

Submissions (4):

PreventionGenetics, part of Exact Sciences
Classification: Uncertain significance for GLI3-related condition. Last evaluated: 2025-10-09. Review status: criteria provided, single submitter. Criteria: ACMG Guidelines, 2015. Collection method: clinical testing. Allele origin: germline.
Comment: The GLI3 c.659G>A variant is predicted to result in the amino acid substitution p.Arg220His. To our knowledge, this variant has not been reported in individuals with GLI3-related disease. This variant is reported in 0.0080% of alleles in individuals of African descent in gnomAD, which is likely too frequent for this variant being a primary cause of disease. Although we suspect this variant to be benign, at this time, the clinical significance of this variant is uncertain due to the absence of conclusive functional and genetic evidence.

Labcorp Genetics (formerly Invitae), Labcorp
Classification: Likely benign for Pallister-Hall syndrome; Greig cephalopolysyndactyly syndrome. Last evaluated: 2025-08-04. Review status: criteria provided, single submitter. Criteria: Invitae Variant Classification Sherloc (09022015). Collection method: clinical testing. Allele origin: germline.

Laboratory of Genetics, Children's Clinical University Hospital Latvia
Classification: Likely benign. Last evaluated: 2025-02-16. Review status: criteria provided, single submitter. Criteria: ACMG Guidelines, 2015. Collection method: clinical testing. Allele origin: germline. Affected: yes.

Fulgent Genetics
Classification: Uncertain significance for Pallister-Hall syndrome; Polydactyly, postaxial, type A1; Polysyndactyly 4; Greig cephalopolysyndactyly syndrome. Last evaluated: 2024-05-06. Review status: criteria provided, single submitter. Criteria: ACMG Guidelines, 2015. Collection method: clinical testing. Allele origin: germline.